The following is an entry in ClinVar:

NM_182925.5(FLT4):c.847C>T (p.Arg283Cys)

Gene: FLT4 (fms related receptor tyrosine kinase 4; minus strand). Cytogenetic location: 5q35.3.
Variant type: single nucleotide variant.
Coding change: c.847C>T on transcript NM_182925.5 (MANE Select); coding-DNA position 847, C replaced by T.
Protein change: p.Arg283Cys; replaces arginine 283 with cysteine.
Molecular consequence: missense variant.
Genome position (GRCh38, 1-based): chr5:180,629,397, G>A on the plus strand (C>T on the coding strand, the complement: FLT4 is on the minus strand). VCF-style: chr5-180629397-G-A. GRCh37 (hg19) VCF-style: chr5-180056397-G-A.
Other names: c.847C>T, p.Arg283Cys (NM_001354989.2, NM_002020.5); short protein forms R283C.
Identifiers: ClinVar variation 4988476 (VCV004988476.1).

ClinVar aggregate classification (germline): Uncertain significance (1 of 4 stars; one submission).

Conditions:
FLT4-related disorder. Also called: FLT4-related condition.

Submission:

PreventionGenetics, part of Exact Sciences
Classification: Uncertain significance for FLT4-related condition. Last evaluated: 2024-10-23. Review status: criteria provided, single submitter. Criteria: ACMG Guidelines, 2015. Collection method: clinical testing. Allele origin: germline.
Comment: The FLT4 c.847C>T variant is predicted to result in the amino acid substitution p.Arg283Cys. To our knowledge, this variant has not been reported in the literature. This variant is reported in 0.0027% of alleles in individuals of European (Non-Finnish) descent in gnomAD. At this time, the clinical significance of this variant is uncertain due to the absence of conclusive functional and genetic evidence.